The following is an entry in ClinVar:

NM_021961.6(TEAD1):c.1016C>T (p.Thr339Met)

Gene: TEAD1 (TEA domain transcription factor 1; plus strand). Cytogenetic location: 11p15.3.
Variant type: single nucleotide variant.
Coding change: c.1016C>T on transcript NM_021961.6 (MANE Select); coding-DNA position 1016, C replaced by T.
Protein change: p.Thr339Met; replaces threonine 339 with methionine.
Molecular consequence: missense variant.
Genome position (GRCh38, 1-based): chr11:12,930,175, C>T. VCF-style: chr11-12930175-C-T. GRCh37 (hg19) VCF-style: chr11-12951722-C-T.
Other names: short protein forms T339M.
Identifiers: ClinVar variation 1352188 (VCV001352188.8), dbSNP rs776134890, ClinGen allele CA5891803.

ClinVar aggregate classification (germline): Uncertain significance (1 of 4 stars; one submission).

Allele frequency attached by ClinVar (database versions not stated): gnomAD exomes 0.00001; ExAC 0.00002.
gnomAD v4.1: 20 of 1,614,088 alleles (0.0012%); highest among the groups gnomAD compares: Admixed American, 0.0033%; no homozygotes.

Submission:

Labcorp Genetics (formerly Invitae), Labcorp
Classification: Uncertain significance. Last evaluated: 2020-11-28. Review status: criteria provided, single submitter. Criteria: Invitae Variant Classification Sherloc (09022015). Collection method: clinical testing. Allele origin: germline.
Comment: In summary, the available evidence is currently insufficient to determine the role of this variant in disease. Therefore, it has been classified as a Variant of Uncertain Significance. Algorithms developed to predict the effect of missense changes on protein structure and function are either unavailable or do not agree on the potential impact of this missense change (SIFT: "Deleterious"; PolyPhen-2: "Possibly Damaging"; Align-GVGD: "Class C0"). This variant has not been reported in the literature in individuals with TEAD1-related conditions. This variant is present in population databases (rs776134890, ExAC 0.01%). This sequence change replaces threonine with methionine at codon 339 of the TEAD1 protein (p.Thr339Met). The threonine residue is moderately conserved and there is a moderate physicochemical difference between threonine and methionine.